The following is an entry in ClinVar:

ClinVar aggregate classification (germline): Uncertain significance. Review status: criteria provided, multiple submitters, no conflicts (2 of 4 stars). 2 submissions from 2 submitters: Uncertain significance (2). Last evaluated 2026-08-08.

Conditions:
Cardiovascular phenotype. Identifiers: MedGen CN230736.

Submissions (2):

Ambry Genetics
Classification: Uncertain significance for Cardiovascular phenotype. Last evaluated: 2026-08-08. Review status: criteria provided, single submitter. Criteria: Ambry Variant Classification Scheme 2023. Collection method: clinical testing. Allele origin: germline.
Comment: The p.T1132I variant (also known as c.3395C>T), located in coding exon 6 of the ALPK3 gene, results from a C to T substitution at nucleotide position 3395. The threonine at codon 1132 is replaced by isoleucine, an amino acid with similar properties. This amino acid position is conserved. In addition, this alteration is predicted to be tolerated by in silico analysis. Based on the available evidence, the clinical significance of this variant remains unclear.

Labcorp Genetics (formerly Invitae), Labcorp
Classification: Uncertain significance. Last evaluated: 2023-08-10. Review status: criteria provided, single submitter. Criteria: Invitae Variant Classification Sherloc (09022015). Collection method: clinical testing. Allele origin: germline.
Comment: In summary, the available evidence is currently insufficient to determine the role of this variant in disease. Therefore, it has been classified as a Variant of Uncertain Significance. An algorithm developed to predict the effect of missense changes on protein structure and function (PolyPhen-2) suggests that this variant is likely to be tolerated. ClinVar contains an entry for this variant (Variation ID: 1960353). This variant has not been reported in the literature in individuals affected with ALPK3-related conditions. This variant is not present in population databases (gnomAD no frequency). This sequence change replaces threonine, which is neutral and polar, with isoleucine, which is neutral and non-polar, at codon 1132 of the ALPK3 protein (p.Thr1132Ile).

NM_020778.5(ALPK3):c.2789C>T (p.Thr930Ile)

Gene: ALPK3 (alpha kinase 3; plus strand). Cytogenetic location: 15q25.3.
Variant type: single nucleotide variant.
Coding change: c.2789C>T on transcript NM_020778.5 (MANE Select); coding-DNA position 2789, C replaced by T.
Protein change: p.Thr930Ile; replaces threonine 930 with isoleucine.
Molecular consequence: missense variant.
Genome position (GRCh38, 1-based): chr15:84,857,527, C>T. VCF-style: chr15-84857527-C-T. GRCh37 (hg19) VCF-style: chr15-85400758-C-T.
Other names: c.3395C>T (NM_020778.4); short protein forms T930I.
Identifiers: ClinVar variation 1960353 (VCV001960353.6), dbSNP rs2505720783, ClinGen allele CA393358378.